The following is an entry in ClinVar:

NM_015488.5(PNKD):c.*1141G>A

Genes: CATIP-AS2 (CATIP antisense RNA 2; minus strand), PNKD (PNKD metallo-beta-lactamase domain containing; plus strand). Cytogenetic location: 2q35.
Variant type: single nucleotide variant.
Coding change: c.*1141G>A on transcript NM_015488.5 (MANE Select); 1141 bases downstream of the stop codon, G replaced by A.
Molecular consequence: 3 prime UTR variant.
Genome position (GRCh38, 1-based): chr2:218,346,122, G>A. VCF-style: chr2-218346122-G-A. GRCh37 (hg19) VCF-style: chr2-219210845-G-A.
Other names: c.*1141G>A (NM_022572.5).
Identifiers: ClinVar variation 334348 (VCV000334348.5), dbSNP rs577960985, ClinGen allele CA10614183.

ClinVar aggregate classification (germline): Benign (1 of 4 stars; one submission).

Conditions:
Paroxysmal nonkinesigenic dyskinesia 1 (PNKD1). Also called: Nonkinesigenic choreoathetosis; Familial paroxysmal choreoathetosis; DYSTONIA 8; Familial Paroxysmal Nonkinesigenic Dyskinesia; MOUNT-REBACK SYNDROME; PxMD-PNKD. Identifiers: Orphanet 98810, MedGen C4551506, MONDO:0700089, OMIM 118800, MONDO:0007326.

Allele frequency attached by ClinVar (database versions not stated): TOPMed 0.00009; gnomAD 0.00011 and 0.00006; 1000 Genomes Project 30x 0.00047; 1000 Genomes Project 0.00060.

Submission:

Illumina Laboratory Services, Illumina
Classification: Benign for Paroxysmal nonkinesigenic dyskinesia 1. Last evaluated: 2018-01-13. Review status: criteria provided, single submitter. Criteria: ICSL Variant Classification Criteria 13 December 2019. Collection method: clinical testing. Allele origin: germline.
Comment: This variant was observed in the ICSL laboratory as part of a predisposition screen in an ostensibly healthy population. It had not been previously curated by ICSL or reported in the Human Gene Mutation Database (HGMD: prior to June 1st, 2018), and was therefore a candidate for classification through an automated scoring system. Utilizing variant allele frequency, disease prevalence and penetrance estimates, and inheritance mode, an automated score was calculated to assess if this variant is too frequent to cause the disease. Based on the score and internal cut-off values, a variant classified as benign is not then subjected to further curation. The score for this variant resulted in a classification of benign for this disease.